The following is an entry in ClinVar:

ClinVar aggregate classification (germline): Uncertain significance (1 of 4 stars; one submission).

Submission:

Dasa
Classification: Uncertain significance. Last evaluated: 2025-07-01. Review status: criteria provided, single submitter. Criteria: DASA Assertion Criteria. Collection method: clinical testing. Allele origin: germline.
Comment: NM_000535.7(PMS2):c.385G>C (p.Ala129Pro) is a missense variant that results in the substitution of alanine with proline. This variant is absent from population databases. The currently available literature and clinical evidence are not sufficient to establish a definitive association between this variant and the reported condition. Therefore, this variant is classified as a variant of uncertain significance.

NM_000535.7(PMS2):c.385G>C (p.Ala129Pro)

Gene: PMS2 (PMS1 homolog 2, mismatch repair system component; minus strand). Cytogenetic location: 7p22.1.
Variant type: single nucleotide variant.
Coding change: c.385G>C on transcript NM_000535.7 (MANE Select); coding-DNA position 385, G replaced by C.
Protein change: p.Ala129Pro; replaces alanine 129 with proline.
Molecular consequence: missense variant. On other transcripts: 5 prime UTR variant (29), non-coding transcript variant (1), intron variant (1).
Genome position (GRCh38, 1-based): chr7:6,002,605, C>G on the plus strand (G>C on the coding strand, the complement: PMS2 is on the minus strand). VCF-style: chr7-6002605-C-G. GRCh37 (hg19) VCF-style: chr7-6042236-C-G.
Other names: c.76G>C, p.Ala26Pro (NM_001322015.2, NM_001406875.1, NM_001406877.1 and 6 more transcripts); c.571G>C, p.Ala191Pro (NM_001406866.1); c.409G>C, p.Ala137Pro (NM_001406868.1); c.385G>C, p.Ala129Pro (NM_001406869.1, NM_001406870.1, NM_001406871.1 and 8 more transcripts); c.-21G>C (NM_001406910.1, NM_001406911.1, NM_001322004.2 and 24 more transcripts); c.250+1367G>C (NM_001406885.1); c.67G>C, p.Ala23Pro (NM_001322007.2, NM_001322008.2, NM_001406876.1 and 4 more transcripts); c.-500G>C (NM_001322011.2, NM_001322012.2); short protein forms A129P, A137P, A191P, A23P, A26P.
Identifiers: ClinVar variation 4885013 (VCV004885013.2).